The following is an entry in ClinVar:

NM_013266.4(CTNNA3):c.1251A>G (p.Ile417Met)

Gene: CTNNA3 (catenin alpha 3; minus strand). Cytogenetic location: 10q21.3.
Variant type: single nucleotide variant.
Coding change: c.1251A>G on transcript NM_013266.4 (MANE Select); coding-DNA position 1251, A replaced by G.
Protein change: p.Ile417Met; replaces isoleucine 417 with methionine.
Molecular consequence: missense variant.
Genome position (GRCh38, 1-based): chr10:66,766,294, T>C on the plus strand (A>G on the coding strand, the complement: CTNNA3 is on the minus strand). VCF-style: chr10-66766294-T-C. GRCh37 (hg19) VCF-style: chr10-68526052-T-C.
Other names: c.1251A>G, p.Ile417Met (NM_001127384.3); c.1251A>G (NM_013266.2); short protein forms I417M.
Identifiers: ClinVar variation 1174822 (VCV001174822.7), dbSNP rs1000274422, ClinGen allele CA209049606.

ClinVar aggregate classification (germline): Uncertain significance. Review status: criteria provided, single submitter (1 of 4 stars). 4 submissions from 4 submitters: Uncertain significance (1). 3 of the submissions do not count toward it. Last evaluated 2025-09-17.

Allele frequency attached by ClinVar (database versions not stated): gnomAD exomes below 0.00001; TOPMed below 0.00001.
gnomAD v4.1: 3 of 1,613,918 alleles (0.00019%); highest among the groups gnomAD compares: Non-Finnish European, 0.00025%; no homozygotes.

Submissions (4):

Ambry Genetics
Classification: Uncertain significance. Last evaluated: 2025-09-17. Review status: criteria provided, single submitter. Criteria: Ambry Variant Classification Scheme 2023. Collection method: clinical testing. Allele origin: germline.
Comment: The p.I417M variant (also known as c.1251A>G), located in coding exon 8 of the CTNNA3 gene, results from an A to G substitution at nucleotide position 1251. The isoleucine at codon 417 is replaced by methionine, an amino acid with highly similar properties. This amino acid position is conserved. In addition, this alteration is predicted to be tolerated by in silico analysis. Based on the available evidence, the clinical significance of this variant remains unclear.

Clinical Genetics DNA and cytogenetics Diagnostics Lab, Erasmus MC, Erasmus Medical Center
Classification: Uncertain significance. Review status: no assertion criteria provided. Collection method: clinical testing. Allele origin: germline. Affected: yes. Study: VKGL Data-share Consensus. Not counted in ClinVar's aggregate classification.

Diagnostic Laboratory, Department of Genetics, University Medical Center Groningen
Classification: Uncertain significance. Review status: no assertion criteria provided. Collection method: clinical testing. Allele origin: germline. Affected: yes. Study: VKGL Data-share Consensus. Not counted in ClinVar's aggregate classification.

Joint Genome Diagnostic Labs from Nijmegen and Maastricht, Radboudumc and MUMC+
Classification: Uncertain significance. Review status: no assertion criteria provided. Collection method: clinical testing. Allele origin: germline. Affected: yes. Study: VKGL Data-share Consensus. Not counted in ClinVar's aggregate classification.